The following is an entry in ClinVar:

NM_002691.4(POLD1):c.2832C>T (p.Phe944=)

Gene: POLD1 (DNA polymerase delta 1, catalytic subunit; plus strand). Cytogenetic location: 19q13.33.
Variant type: single nucleotide variant.
Coding change: c.2832C>T on transcript NM_002691.4 (MANE Select); coding-DNA position 2832, C replaced by T.
Protein change: p.Phe944=; no amino-acid change (phenylalanine 944 retained).
Molecular consequence: synonymous variant. On other transcripts: non-coding transcript variant (1).
Genome position (GRCh38, 1-based): chr19:50,416,407, C>T. VCF-style: chr19-50416407-C-T. GRCh37 (hg19) VCF-style: chr19-50919664-C-T.
Other names: c.2832C>T, p.Phe944= (NM_001256849.1); c.2910C>T, p.Phe970= (NM_001308632.1).
Identifiers: ClinVar variation 392718 (VCV000392718.26), dbSNP rs143974331, ClinGen allele CA9596674.

ClinVar aggregate classification (germline): Benign/Likely benign. Review status: criteria provided, multiple submitters, no conflicts (2 of 4 stars). 9 submissions from 9 submitters: Benign (1); Likely benign (7). 1 of the submissions does not count toward it. Last evaluated 2026-09-01.

Conditions:
POLD1-related disorder. Also called: POLD1-related condition; POLD1-related disorders.
Hereditary cancer-predisposing syndrome. Also called: Hereditary neoplastic syndrome; Neoplastic Syndromes, Hereditary; Hereditary Cancer Syndrome; Tumor predisposition. Identifiers: Orphanet 140162, MedGen C0027672, MeSH D009386, MONDO:0015356.
Immunodeficiency 120. Identifiers: MedGen C5935622, MONDO:0970994, OMIM 620836.
POLD1-related polyposis and colorectal cancer syndrome (CRCS10). Also called: Colorectal cancer 10; Colorectal cancer, susceptibility to, 10; COLORECTAL CANCER, SUSCEPTIBILITY TO, ON CHROMOSOME 19q. Identifiers: Orphanet 220460, MedGen C2675481, MONDO:0012953, OMIM 612591.
Mandibular hypoplasia-deafness-progeroid syndrome. Also called: Mandibular hypoplasia, deafness, progeroid features, and lipodystrophy syndrome. Identifiers: Orphanet 363649, MedGen C3715192, MONDO:0014157, OMIM 615381.

Allele frequency attached by ClinVar (database versions not stated): ExAC 0.00011; 1000 Genomes Project 30x 0.00031; 1000 Genomes Project 0.00040; gnomAD 0.00001 and 0.00005; TOPMed 0.00001.
gnomAD v4.1: 155 of 1,549,284 alleles (0.01%); highest among the groups gnomAD compares: East Asian, 0.35%; 1 homozygote.

Submissions (9):

CeGaT Center for Human Genetics Tuebingen
Classification: Likely benign. Last evaluated: 2026-09-01. Review status: criteria provided, single submitter. Criteria: CeGaT Center For Human Genetics Tuebingen Variant Classification Criteria Version 2. Collection method: clinical testing. Allele origin: germline. Affected: yes. Observed: 1 variant allele.
Comment: POLD1: BP4, BP7

Labcorp Genetics (formerly Invitae), Labcorp
Classification: Likely benign for POLD1-related polyposis and colorectal cancer syndrome. Last evaluated: 2026-02-04. Review status: criteria provided, single submitter. Criteria: Invitae Variant Classification Sherloc (09022015). Collection method: clinical testing. Allele origin: germline.

Department of Pathology and Laboratory Medicine, Sinai Health System
Classification: Likely benign for POLD1-related polyposis and colorectal cancer syndrome; Mandibular hypoplasia-deafness-progeroid syndrome; Immunodeficiency 120. Last evaluated: 2023-10-04. Review status: criteria provided, single submitter. Criteria: ACMG Guidelines, 2015. Collection method: clinical testing. Allele origin: germline. Affected: no.

Blueprint Genetics
Classification: Likely benign. Last evaluated: 2023-07-05. Review status: criteria provided, single submitter. Criteria: ACMG Guidelines, 2015. Collection method: clinical testing. Allele origin: germline.

Sema4
Classification: Likely benign for Hereditary cancer-predisposing syndrome. Last evaluated: 2021-06-28. Review status: criteria provided, single submitter. Criteria: Sema4 Curation Guidelines. Collection method: curation. Allele origin: germline.

GeneDx
Classification: Likely benign. Last evaluated: 2019-11-20. Review status: criteria provided, single submitter. Criteria: GeneDx Variant Classification Process June 2021. Collection method: clinical testing. Allele origin: germline. Affected: yes.

Quest Diagnostics Nichols Institute San Juan Capistrano
Classification: Benign. Last evaluated: 2018-05-17. Review status: criteria provided, single submitter. Criteria: Quest Diagnostics criteria. Collection method: clinical testing. Allele origin: germline.

Ambry Genetics
Classification: Likely benign for Hereditary cancer-predisposing syndrome. Last evaluated: 2015-06-24. Review status: criteria provided, single submitter. Criteria: Ambry Variant Classification Scheme 2023. Collection method: clinical testing. Allele origin: germline.

PreventionGenetics, part of Exact Sciences
Classification: Likely benign for POLD1-related condition. Last evaluated: 2019-10-16. Review status: no assertion criteria provided. Collection method: clinical testing. Allele origin: germline. Not counted in ClinVar's aggregate classification.
Comment: This variant is classified as likely benign based on ACMG/AMP sequence variant interpretation guidelines (Richards et al. 2015 PMID: 25741868, with internal and published modifications).